The following is an entry in ClinVar:

ClinVar aggregate classification (germline): Uncertain significance (1 of 4 stars; one submission).

Conditions:
Inborn genetic diseases. Identifiers: MedGen C0950123, MeSH D030342.

Submission:

Ambry Genetics
Classification: Uncertain significance for Inborn genetic diseases. Last evaluated: 2025-05-18. Review status: criteria provided, single submitter. Criteria: Ambry Variant Classification Scheme 2023. Collection method: clinical testing. Allele origin: germline.
Comment: The p.Q595R variant (also known as c.1784A>G), located in coding exon 12 of the BMPR2 gene, results from an A to G substitution at nucleotide position 1784. The glutamine at codon 595 is replaced by arginine, an amino acid with highly similar properties. This amino acid position is conserved. In addition, the in silico prediction for this alteration is inconclusive. Based on the available evidence, the clinical significance of this variant remains unclear.

NM_001204.7(BMPR2):c.1784A>G (p.Gln595Arg)

Gene: BMPR2 (bone morphogenetic protein receptor type 2; plus strand). Cytogenetic location: 2q33.2.
Variant type: single nucleotide variant.
Coding change: c.1784A>G on transcript NM_001204.7 (MANE Select); coding-DNA position 1784, A replaced by G.
Protein change: p.Gln595Arg; replaces glutamine 595 with arginine.
Molecular consequence: missense variant.
Genome position (GRCh38, 1-based): chr2:202,555,449, A>G. VCF-style: chr2-202555449-A-G. GRCh37 (hg19) VCF-style: chr2-203420172-A-G.
Other names: short protein forms Q595R.
Identifiers: ClinVar variation 3992181 (VCV003992181.1).